The following is an entry in ClinVar:

ClinVar aggregate classification (germline): Likely benign. Review status: criteria provided, multiple submitters, no conflicts (2 of 4 stars). 3 submissions from 3 submitters: Likely benign (3). Last evaluated 2026-08-01.

Conditions:
Inborn genetic diseases. Identifiers: MedGen C0950123, MeSH D030342.

Allele frequency attached by ClinVar (database versions not stated): gnomAD exomes below 0.00001; TOPMed 0.00001.
gnomAD v4.1: 3 of 1,614,146 alleles (0.00019%); highest among the groups gnomAD compares: Admixed American, 0.0033%; no homozygotes.

Submissions (3):

CeGaT Center for Human Genetics Tuebingen
Classification: Likely benign. Last evaluated: 2026-08-01. Review status: criteria provided, single submitter. Criteria: CeGaT Center For Human Genetics Tuebingen Variant Classification Criteria Version 2. Collection method: clinical testing. Allele origin: germline. Affected: yes. Observed: 1 variant allele.
Comment: MDH2: BP4, BP7

Labcorp Genetics (formerly Invitae), Labcorp
Classification: Likely benign. Last evaluated: 2024-04-17. Review status: criteria provided, single submitter. Criteria: Invitae Variant Classification Sherloc (09022015). Collection method: clinical testing. Allele origin: germline.

Ambry Genetics
Classification: Likely benign for Inborn genetic diseases. Last evaluated: 2022-06-07. Review status: criteria provided, single submitter. Criteria: Ambry Variant Classification Scheme 2023. Collection method: clinical testing. Allele origin: germline.

NM_005918.4(MDH2):c.552G>A (p.Leu184=)

Gene: MDH2 (malate dehydrogenase 2; plus strand). Cytogenetic location: 7q11.23.
Variant type: single nucleotide variant.
Coding change: c.552G>A on transcript NM_005918.4 (MANE Select); coding-DNA position 552, G replaced by A.
Protein change: p.Leu184=; no amino-acid change (leucine 184 retained).
Molecular consequence: synonymous variant. On other transcripts: intron variant (1).
Genome position (GRCh38, 1-based): chr7:76,060,495, G>A. VCF-style: chr7-76060495-G-A. GRCh37 (hg19) VCF-style: chr7-75689813-G-A.
Other names: c.231G>A, p.Leu77= (NM_001282404.2); c.429+2417G>A (NM_001282403.2).
Identifiers: ClinVar variation 1748130 (VCV001748130.5), dbSNP rs1554586848, ClinGen allele CA456075389.